The following is an entry in ClinVar:

ClinVar aggregate classification (germline): Uncertain significance (1 of 4 stars; one submission).

Submission:

Labcorp Genetics (formerly Invitae), Labcorp
Classification: Uncertain significance. Last evaluated: 2024-04-17. Review status: criteria provided, single submitter. Criteria: Invitae Variant Classification Sherloc (09022015). Collection method: clinical testing. Allele origin: germline.
Comment: This sequence change replaces glycine, which is neutral and non-polar, with alanine, which is neutral and non-polar, at codon 112 of the KL protein (p.Gly112Ala). This variant is not present in population databases (gnomAD no frequency). This variant has not been reported in the literature in individuals affected with KL-related conditions. An algorithm developed to predict the effect of missense changes on protein structure and function (PolyPhen-2) suggests that this variant is likely to be tolerated. In summary, the available evidence is currently insufficient to determine the role of this variant in disease. Therefore, it has been classified as a Variant of Uncertain Significance.

NM_004795.4(KL):c.335G>C (p.Gly112Ala)

Gene: KL (klotho; plus strand). Cytogenetic location: 13q13.1.
Variant type: single nucleotide variant.
Coding change: c.335G>C on transcript NM_004795.4 (MANE Select); coding-DNA position 335, G replaced by C.
Protein change: p.Gly112Ala; replaces glycine 112 with alanine.
Molecular consequence: missense variant.
Genome position (GRCh38, 1-based): chr13:33,016,775, G>C. VCF-style: chr13-33016775-G-C. GRCh37 (hg19) VCF-style: chr13-33590913-G-C.
Other names: short protein forms G112A.
Identifiers: ClinVar variation 3632530 (VCV003632530.2).